The following is an entry in ClinVar:

NM_001040716.2(PC):c.715A>G (p.Ile239Val)

Gene: PC (pyruvate carboxylase; minus strand). Cytogenetic location: 11q13.2.
Variant type: single nucleotide variant.
Coding change: c.715A>G on transcript NM_001040716.2 (MANE Select); coding-DNA position 715, A replaced by G.
Protein change: p.Ile239Val; replaces isoleucine 239 with valine.
Molecular consequence: missense variant.
Genome position (GRCh38, 1-based): chr11:66,870,811, T>C on the plus strand (A>G on the coding strand, the complement: PC is on the minus strand). VCF-style: chr11-66870811-T-C. GRCh37 (hg19) VCF-style: chr11-66638282-T-C.
Other names: c.715A>G, p.Ile239Val (NM_000920.4, NM_022172.3); short protein forms I239V.
Identifiers: ClinVar variation 305632 (VCV000305632.18), dbSNP rs148805312, ClinGen allele CA6132143.

ClinVar aggregate classification (germline): Conflicting classifications of pathogenicity. Review status: criteria provided, conflicting classifications (1 of 4 stars). 5 submissions from 5 submitters: Uncertain significance (4); Likely benign (1). Last evaluated 2026-02-02.

Conditions:
Inborn genetic diseases. Identifiers: MedGen C0950123, MeSH D030342.
Pyruvate carboxylase deficiency. Also called: ATAXIA WITH LACTIC ACIDOSIS II; LEIGH NECROTIZING ENCEPHALOPATHY DUE TO PYRUVATE CARBOXYLASE DEFICIENCY; LEIGH SYNDROME DUE TO PYRUVATE CARBOXYLASE DEFICIENCY; PC DEFICIENCY; Pyruvate Carboxylase Deficiency Disease. Identifiers: Orphanet 3008, MedGen C0034341, MONDO:0009949, OMIM 266150.

Allele frequency attached by ClinVar (database versions not stated): ESP Exome Variant Server 0.00008; 1000 Genomes Project 0.00020; ExAC 0.00021; gnomAD 0.00022 and 0.00024; gnomAD exomes 0.00022 and 0.00031; 1000 Genomes Project 30x 0.00031; TOPMed 0.00033.
gnomAD v4.1: 359 of 1,613,638 alleles (0.022%); highest among the groups gnomAD compares: Admixed American, 0.1%; no homozygotes.

Submissions (5):

Labcorp Genetics (formerly Invitae), Labcorp
Classification: Likely benign for Pyruvate carboxylase deficiency. Last evaluated: 2026-02-02. Review status: criteria provided, single submitter. Criteria: Invitae Variant Classification Sherloc (09022015). Collection method: clinical testing. Allele origin: germline.

Ambry Genetics
Classification: Uncertain significance for Inborn genetic diseases. Last evaluated: 2025-07-16. Review status: criteria provided, single submitter. Criteria: Ambry Variant Classification Scheme 2023. Collection method: clinical testing. Allele origin: germline.

Baylor Genetics
Classification: Uncertain significance for Pyruvate carboxylase deficiency. Last evaluated: 2023-04-18. Review status: criteria provided, single submitter. Criteria: ACMG Guidelines, 2015. Collection method: clinical testing. Allele origin: unknown.

GeneDx
Classification: Uncertain significance. Last evaluated: 2023-02-14. Review status: criteria provided, single submitter. Criteria: GeneDx Variant Classification Process June 2021. Collection method: clinical testing. Allele origin: germline. Affected: yes.
Comment: Reported in a patient with Leigh syndrome (Plutino et al., 2018); In silico analysis supports that this missense variant does not alter protein structure/function; This variant is associated with the following publications: (PMID: 29625556)

Illumina Laboratory Services, Illumina
Classification: Uncertain significance for Pyruvate carboxylase deficiency. Last evaluated: 2018-01-13. Review status: criteria provided, single submitter. Criteria: ICSL Variant Classification Criteria 13 December 2019. Collection method: clinical testing. Allele origin: germline.